The following is an entry in ClinVar:

NM_004738.5(VAPB):c.38A>C (p.Gln13Pro)

Gene: VAPB (VAMP associated protein B and C; plus strand). Cytogenetic location: 20q13.32.
Variant type: single nucleotide variant.
Coding change: c.38A>C on transcript NM_004738.5 (MANE Select); coding-DNA position 38, A replaced by C.
Protein change: p.Gln13Pro; replaces glutamine 13 with proline.
Molecular consequence: missense variant. On other transcripts: non-coding transcript variant (1).
Genome position (GRCh38, 1-based): chr20:58,389,497, A>C. VCF-style: chr20-58389497-A-C. GRCh37 (hg19) VCF-style: chr20-56964553-A-C.
Other names: c.38A>C, p.Gln13Pro (NM_001195677.2); short protein forms Q13P.
Identifiers: ClinVar variation 1062695 (VCV001062695.9), dbSNP rs760656837, ClinGen allele CA409439977.
Genomic context (GRCh38, chr20:58,389,497, plus strand): 5'-AAGGTGCTCCGCCGCTAAGGAACATGGCGAAGGTGGAGCAGGTCCTGAGCCTCGAGCCGC[A>C]GCACGAGCTCAAATTCCGAGGTAAGCCCCAGAGGCCGCCACCTTCCTGCCCGCGGCCTCC-3'
Protein context (NP_004729.1, residues 3-23): KVEQVLSLEP[Gln13Pro]HELKFRGPFT

ClinVar aggregate classification (germline): Uncertain significance (1 of 4 stars; one submission).

Conditions:
Amyotrophic lateral sclerosis type 8 (ALS8). Identifiers: Orphanet 803, MedGen C1837728, MONDO:0012077, OMIM 608627.
Adult-onset proximal spinal muscular atrophy, autosomal dominant. Also called: Spinal muscular atrophy, late-onset, finkel type; FINKEL LATE-ADULT TYPE SMA. Identifiers: Orphanet 209335, MedGen C1854058, MONDO:0008453, OMIM 182980.

Submission:

Labcorp Genetics (formerly Invitae), Labcorp
Classification: Uncertain significance for Adult-onset proximal spinal muscular atrophy, autosomal dominant; Amyotrophic lateral sclerosis type 8. Last evaluated: 2024-04-08. Review status: criteria provided, single submitter. Criteria: Invitae Variant Classification Sherloc (09022015). Collection method: clinical testing. Allele origin: germline.
Comment: This sequence change replaces glutamine, which is neutral and polar, with proline, which is neutral and non-polar, at codon 13 of the VAPB protein (p.Gln13Pro). This variant is not present in population databases (gnomAD no frequency). This variant has not been reported in the literature in individuals affected with VAPB-related conditions. ClinVar contains an entry for this variant (Variation ID: 1062695). An algorithm developed to predict the effect of missense changes on protein structure and function (PolyPhen-2) suggests that this variant is likely to be tolerated. In summary, the available evidence is currently insufficient to determine the role of this variant in disease. Therefore, it has been classified as a Variant of Uncertain Significance.